The following is an entry in ClinVar:

NM_024652.6(LRRK1):c.938A>G (p.His313Arg)

Gene: LRRK1 (leucine rich repeat kinase 1; plus strand). Cytogenetic location: 15q26.3.
Variant type: single nucleotide variant.
Coding change: c.938A>G on transcript NM_024652.6 (MANE Select); coding-DNA position 938, A replaced by G.
Protein change: p.His313Arg; replaces histidine 313 with arginine.
Molecular consequence: missense variant.
Genome position (GRCh38, 1-based): chr15:101,009,012, A>G. VCF-style: chr15-101009012-A-G. GRCh37 (hg19) VCF-style: chr15-101549217-A-G.
Other names: short protein forms H313R.
Identifiers: ClinVar variation 3388434 (VCV003388434.15).

ClinVar aggregate classification (germline): Uncertain significance. Review status: criteria provided, multiple submitters, no conflicts (2 of 4 stars). 2 submissions from 2 submitters: Uncertain significance (2). Last evaluated 2025-10-03.

Submissions (2):

Labcorp Genetics (formerly Invitae), Labcorp
Classification: Uncertain significance. Last evaluated: 2025-10-03. Review status: criteria provided, single submitter. Criteria: Invitae Variant Classification Sherloc (09022015). Collection method: clinical testing. Allele origin: germline.
Comment: This sequence change replaces histidine, which is basic and polar, with arginine, which is basic and polar, at codon 313 of the LRRK1 protein (p.His313Arg). This variant is present in population databases (rs762350334, gnomAD 0.002%). This variant has not been reported in the literature in individuals affected with LRRK1-related conditions. ClinVar contains an entry for this variant (Variation ID: 3388434). An algorithm developed to predict the effect of missense changes on protein structure and function (PolyPhen-2) suggests that this variant is likely to be tolerated. In summary, the available evidence is currently insufficient to determine the role of this variant in disease. Therefore, it has been classified as a Variant of Uncertain Significance.

CeGaT Center for Human Genetics Tuebingen
Classification: Uncertain significance. Last evaluated: 2024-11-01. Review status: criteria provided, single submitter. Criteria: CeGaT Center For Human Genetics Tuebingen Variant Classification Criteria Version 2. Collection method: clinical testing. Allele origin: germline. Affected: yes. Observed: 1 variant allele.
Comment: LRRK1: PM2